The following is an entry in ClinVar:

ClinVar aggregate classification (germline): Uncertain significance (1 of 4 stars; one submission).

Conditions:
Giant axonal neuropathy 1 (GAN1). Also called: GIANT AXONAL NEUROPATHY 1, AUTOSOMAL RECESSIVE; GAN-Related Neurodegeneration. Identifiers: Orphanet 643, MedGen C1850386, MONDO:0009749, OMIM 256850.

Submission:

Labcorp Genetics (formerly Invitae), Labcorp
Classification: Uncertain significance for Giant axonal neuropathy 1. Last evaluated: 2022-04-04. Review status: criteria provided, single submitter. Criteria: Invitae Variant Classification Sherloc (09022015). Collection method: clinical testing. Allele origin: germline.
Comment: This sequence change replaces phenylalanine, which is neutral and non-polar, with leucine, which is neutral and non-polar, at codon 473 of the GAN protein (p.Phe473Leu). This variant is not present in population databases (gnomAD no frequency). This variant has not been reported in the literature in individuals affected with GAN-related conditions. Algorithms developed to predict the effect of missense changes on protein structure and function (SIFT, PolyPhen-2, Align-GVGD) all suggest that this variant is likely to be tolerated. In summary, the available evidence is currently insufficient to determine the role of this variant in disease. Therefore, it has been classified as a Variant of Uncertain Significance.

NM_022041.4(GAN):c.1417T>C (p.Phe473Leu)

Gene: GAN (gigaxonin; plus strand). Cytogenetic location: 16q23.2.
Variant type: single nucleotide variant.
Coding change: c.1417T>C on transcript NM_022041.4 (MANE Select); coding-DNA position 1417, T replaced by C.
Protein change: p.Phe473Leu; replaces phenylalanine 473 with leucine.
Molecular consequence: missense variant.
Genome position (GRCh38, 1-based): chr16:81,365,393, T>C. VCF-style: chr16-81365393-T-C. GRCh37 (hg19) VCF-style: chr16-81398998-T-C.
Other names: c.778T>C, p.Phe260Leu (NM_001377486.1); short protein forms F473L, F260L.
Identifiers: ClinVar variation 2121292 (VCV002121292.4), dbSNP rs2507750934, ClinGen allele CA396891342.